The following is an entry in ClinVar:

ClinVar aggregate classification (germline): Conflicting classifications of pathogenicity. Review status: criteria provided, conflicting classifications (1 of 4 stars). 2 submissions from 2 submitters: Likely pathogenic (1); Uncertain significance (1). Last evaluated 2026-03-12.

Conditions:
Multiple congenital anomalies-hypotonia-seizures syndrome 1 (MCAHS1). Also called: GLYCOSYLPHOSPHATIDYLINOSITOL BIOSYNTHESIS DEFECT 3; PIGN-CDG; Congenital disorder of glycosylation due to PIGN deficiency. Identifiers: Orphanet 280633, MedGen C3279775, MONDO:0013563, OMIM 614080.

Allele frequency attached by ClinVar (database versions not stated): gnomAD exomes below 0.00001.
gnomAD v4.1: 1 of 1,613,072 alleles (0.000062%); highest among the groups gnomAD compares: Admixed American, 0.0017%; no homozygotes.

Submissions (2):

GeneDx
Classification: Likely pathogenic. Last evaluated: 2026-03-12. Review status: criteria provided, single submitter. Criteria: GeneDx Variant Classification Process June 2021. Collection method: clinical testing. Allele origin: germline.
Comment: Not observed at significant frequency in large population cohorts (gnomAD); In silico analysis supports that this missense variant has a deleterious effect on protein structure/function; Has not been previously published as pathogenic or benign to our knowledge

Labcorp Genetics (formerly Invitae), Labcorp
Classification: Uncertain significance for Multiple congenital anomalies-hypotonia-seizures syndrome 1. Last evaluated: 2022-03-03. Review status: criteria provided, single submitter. Criteria: Invitae Variant Classification Sherloc (09022015). Collection method: clinical testing. Allele origin: germline.
Comment: In summary, the available evidence is currently insufficient to determine the role of this variant in disease. Therefore, it has been classified as a Variant of Uncertain Significance. Algorithms developed to predict the effect of missense changes on protein structure and function are either unavailable or do not agree on the potential impact of this missense change (SIFT: "Deleterious"; PolyPhen-2: "Probably Damaging"; Align-GVGD: "Class C0"). ClinVar contains an entry for this variant (Variation ID: 950128). This variant has not been reported in the literature in individuals affected with PIGN-related conditions. This variant is not present in population databases (gnomAD no frequency). This sequence change replaces proline, which is neutral and non-polar, with leucine, which is neutral and non-polar, at codon 505 of the PIGN protein (p.Pro505Leu).

NM_176787.5(PIGN):c.1514C>T (p.Pro505Leu)

Gene: PIGN (phosphatidylinositol glycan anchor biosynthesis class N; minus strand). Cytogenetic location: 18q21.33.
Variant type: single nucleotide variant.
Coding change: c.1514C>T on transcript NM_176787.5 (MANE Select); coding-DNA position 1514, C replaced by T.
Protein change: p.Pro505Leu; replaces proline 505 with leucine.
Molecular consequence: missense variant.
Genome position (GRCh38, 1-based): chr18:62,109,894, G>A on the plus strand (C>T on the coding strand, the complement: PIGN is on the minus strand). VCF-style: chr18-62109894-G-A. GRCh37 (hg19) VCF-style: chr18-59777127-G-A.
Other names: c.1514C>T, p.Pro505Leu (NM_012327.6); short protein forms P505L.
Identifiers: ClinVar variation 950128 (VCV000950128.11), dbSNP rs2034807385, ClinGen allele CA402605468.